The following is an entry in ClinVar:

NM_005055.5(RAPSN):c.342dup (p.Thr115fs)

Gene: RAPSN (receptor associated protein of the synapse; minus strand). Cytogenetic location: 11p11.2.
Variant type: Duplication.
Coding change: c.342dup on transcript NM_005055.5 (MANE Select); coding-DNA position 342, one base duplicated (T; older notation c.342dupT).
Protein change: p.Thr115fs; shifts the reading frame from threonine 115.
Molecular consequence: frameshift variant.
Genome position (GRCh38, 1-based): chr11:47,448,001, A duplicated on the plus strand (T on the coding strand, the reverse complement: RAPSN is on the minus strand). VCF-style (leftmost placement, unchanged base first): chr11-47448000-T-TA. GRCh37 (hg19) VCF-style: chr11-47469552-T-TA.
Other names: c.342dup, p.Thr115fs (NM_032645.5); short protein forms T115fs.
Identifiers: ClinVar variation 4060701 (VCV004060701.2).

ClinVar aggregate classification (germline): Likely pathogenic (1 of 4 stars; one submission).

Conditions:
Congenital myasthenic syndrome (CMS). Also called: Congenital Myasthenic Syndromes. Identifiers: Orphanet 590, MedGen C0751882, MeSH D020294, MONDO:0018940.

Submission:

Natera, Inc.
Classification: Likely pathogenic for Congenital myasthenic syndrome. Last evaluated: 2025-05-23. Review status: criteria provided, single submitter. Criteria: Natera Variant Classification Schema (03/2026). Collection method: clinical testing. Allele origin: germline.
Comment: The c.342dup variant in RAPSN is a frameshift variant predicted to shift the reading frame beginning at codon 115 and leads to a stop codon 43 codons downstream. This variant is expected to result in nonsense mediated decay, truncation, or a dysfunctional protein product. This variant is rare in the general population with a frequency below the threshold expected for the associated phenotype(s). Given the available evidence, this variant is classified as Likely Pathogenic.